The following is an entry in ClinVar:

NC_000009.11:g.(?_131418800)_(131419005_?)dup

Gene: DYNC2I2 (dynein 2 intermediate chain 2; minus strand). Cytogenetic location: 9q34.11.
Variant type: Duplication.
Identifiers: ClinVar variation 1681160 (VCV001681160.4).

ClinVar aggregate classification (germline): Uncertain significance (1 of 4 stars; one submission).

Conditions:
Short-rib thoracic dysplasia 11 with or without polydactyly (SRTD11). Also called: SHORT-RIB THORACIC DYSPLASIA 11 WITHOUT POLYDACTYLY. Identifiers: Orphanet 474, Orphanet 93271, MedGen C3810200, MONDO:0014287, OMIM 615633.

Submission:

Labcorp Genetics (formerly Invitae), Labcorp
Classification: Uncertain significance for Short-rib thoracic dysplasia 11 with or without polydactyly. Last evaluated: 2022-08-13. Review status: criteria provided, single submitter. Criteria: Invitae Variant Classification Sherloc (09022015). Collection method: clinical testing. Allele origin: germline.
Comment: This variant results in a copy number gain of the genomic region encompassing exon(s) 1 of the WDR34 gene. This region includes the initiator codon of the gene. This copy number gain extends beyond the assayed region for this gene and therefore may encompass additional genes. As the precise location of this event is unknown, it may be in tandem or it may be located elsewhere in the genome. This variant has not been reported in the literature in individuals affected with WDR34-related conditions. Experimental studies and prediction algorithms are not available or were not evaluated, and the functional significance of this variant is currently unknown. In summary, the available evidence is currently insufficient to determine the role of this variant in disease. Therefore, it has been classified as a Variant of Uncertain Significance.